The following is an entry in ClinVar:

NM_016653.3(MAP3K20):c.1656ATT[1] (p.Leu553del)

Genes: MAP3K20 (mitogen-activated protein kinase kinase kinase 20; plus strand), MAP3K20-AS1 (MAP3K20 antisense RNA 1; minus strand). Cytogenetic location: 2q31.1.
Variant type: Microsatellite.
Coding change: c.1656ATT[1] on transcript NM_016653.3 (MANE Select); one copy of the 3-base unit ATT starting at c.1656; the reference has two copies in a row; one copy, 3 bases deleted.
Protein change: p.Leu553del; deletes leucine 553.
Molecular consequence: inframe deletion.
Genome position (GRCh38, 1-based): chr2:173,263,852-173,263,854, ATT deleted; deleting any 3 consecutive bases within chr2:173,263,849-173,263,854 gives the same sequence; the position shown is the placement nearest the transcript's 3' end. VCF-style (leftmost placement, unchanged base first): chr2-173263848-CATT-C. GRCh37 (hg19) VCF-style: chr2-174128576-CATT-C.
Other names: short protein forms L553del.
Identifiers: ClinVar variation 1346808 (VCV001346808.10), dbSNP rs750572173, ClinGen allele CA1970923.

ClinVar aggregate classification (germline): Uncertain significance. Review status: criteria provided, multiple submitters, no conflicts (2 of 4 stars). 2 submissions from 2 submitters: Uncertain significance (2). Last evaluated 2025-11-01.

Submissions (2):

CeGaT Center for Human Genetics Tuebingen
Classification: Uncertain significance. Last evaluated: 2025-11-01. Review status: criteria provided, single submitter. Criteria: CeGaT Center For Human Genetics Tuebingen Variant Classification Criteria Version 2. Collection method: clinical testing. Allele origin: germline. Affected: yes. Observed: 1 variant allele.
Comment: MAP3K20: PM2, PM4:Supporting

Labcorp Genetics (formerly Invitae), Labcorp
Classification: Uncertain significance. Last evaluated: 2022-09-01. Review status: criteria provided, single submitter. Criteria: Invitae Variant Classification Sherloc (09022015). Collection method: clinical testing. Allele origin: germline.
Comment: In summary, the available evidence is currently insufficient to determine the role of this variant in disease. Therefore, it has been classified as a Variant of Uncertain Significance. Experimental studies and prediction algorithms are not available or were not evaluated, and the functional significance of this variant is currently unknown. This variant has not been reported in the literature in individuals affected with MAP3K20-related conditions. This variant is present in population databases (rs750572173, gnomAD 0.01%). This variant, c.1659_1661del, results in the deletion of 1 amino acid(s) of the MAP3K20 protein (p.Leu553del), but otherwise preserves the integrity of the reading frame.